The following is an entry in ClinVar:

NM_001999.4(FBN2):c.7345+3A>G

Gene: FBN2 (fibrillin 2; minus strand). Cytogenetic location: 5q23.3.
Variant type: single nucleotide variant.
Coding change: c.7345+3A>G on transcript NM_001999.4 (MANE Select); 3 bases into the intron after coding-DNA position 7345, A replaced by G.
Molecular consequence: intron variant.
Genome position (GRCh38, 1-based): chr5:128,278,632, T>C on the plus strand (A>G on the coding strand, the complement: FBN2 is on the minus strand). VCF-style: chr5-128278632-T-C. GRCh37 (hg19) VCF-style: chr5-127614324-T-C.
Identifiers: ClinVar variation 570601 (VCV000570601.8), dbSNP rs776419198, ClinGen allele CA891842680.

ClinVar aggregate classification (germline): Uncertain significance. Review status: criteria provided, multiple submitters, no conflicts (2 of 4 stars). 2 submissions from 2 submitters: Uncertain significance (2). Last evaluated 2024-04-15.

Conditions:
Congenital contractural arachnodactyly (CCA). Also called: Beals-Hecht syndrome; BEALS SYNDROME; Arthrogryposis, distal, type 9. Identifiers: Orphanet 115, MedGen C0220668, MONDO:0007363, OMIM 121050.
Familial thoracic aortic aneurysm and aortic dissection (TAAD). Also called: Thoracic aortic aneurysms and dissections. Identifiers: Orphanet 91387, MedGen C4707243, MONDO:0019625.

Allele frequency attached by ClinVar (database versions not stated): TOPMed below 0.00001; gnomAD 0.00001.
gnomAD v4.1: 12 of 1,613,030 alleles (0.00074%); highest among the groups gnomAD compares: South Asian, 0.0011%; no homozygotes.

Submissions (2):

Ambry Genetics
Classification: Uncertain significance for Familial thoracic aortic aneurysm and aortic dissection. Last evaluated: 2024-04-15. Review status: criteria provided, single submitter. Criteria: Ambry Variant Classification Scheme 2023. Collection method: clinical testing. Allele origin: germline.
Comment: The c.7345+3A>G intronic variant results from an A to G substitution 3 nucleotides after coding exon 57 in the FBN2 gene. This nucleotide position is not well conserved in available vertebrate species. In silico splice site analysis predicts that this alteration will not have any significant effect on splicing. Based on the available evidence, the clinical significance of this variant remains unclear.

Labcorp Genetics (formerly Invitae), Labcorp
Classification: Uncertain significance for Congenital contractural arachnodactyly. Last evaluated: 2018-05-15. Review status: criteria provided, single submitter. Criteria: Invitae Variant Classification Sherloc (09022015). Collection method: clinical testing. Allele origin: germline.
Comment: This variant is not present in population databases (ExAC no frequency). In summary, the available evidence is currently insufficient to determine the role of this variant in disease. Therefore, it has been classified as a Variant of Uncertain Significance. Nucleotide substitutions within the consensus splice site are a relatively common cause of aberrant splicing (PMID: 17576681, 9536098). Algorithms developed to predict the effect of sequence changes on RNA splicing suggest that this variant may disrupt the consensus splice site, but this prediction has not been confirmed by published transcriptional studies. This variant has not been reported in the literature in individuals with FBN2-related disease. This sequence change falls in intron 57 of the FBN2 gene. It does not directly change the encoded amino acid sequence of the FBN2 protein, but it affects a nucleotide within the consensus splice site of the intron.

Literature cited by the submitters: PubMed 17576681 (cited by Labcorp Genetics (formerly Invitae), Labcorp); PubMed 9536098 (cited by Labcorp Genetics (formerly Invitae), Labcorp).